The following is an entry in ClinVar:

ClinVar aggregate classification (germline): Uncertain significance (1 of 4 stars; one submission).

Submission:

Centre of Medical Genetics, University Hospital Muenster
Classification: Uncertain significance. Last evaluated: 2022-11-15. Review status: criteria provided, single submitter. Criteria: ACMG Guidelines, 2015. Collection method: clinical testing. Allele origin: unknown. Affected: yes. Observed: 1 variant allele, 1 heterozygote.
Comment: ACMG categories: PM1,PM2

NM_015335.5(MED13L):c.787G>A (p.Asp263Asn)

Gene: MED13L (mediator complex subunit 13L; minus strand). Cytogenetic location: 12q24.21.
Variant type: single nucleotide variant.
Coding change: c.787G>A on transcript NM_015335.5 (MANE Select); coding-DNA position 787, G replaced by A.
Protein change: p.Asp263Asn; replaces aspartic acid 263 with asparagine.
Molecular consequence: missense variant.
Genome position (GRCh38, 1-based): chr12:116,019,811, C>T on the plus strand (G>A on the coding strand, the complement: MED13L is on the minus strand). VCF-style: chr12-116019811-C-T. GRCh37 (hg19) VCF-style: chr12-116457616-C-T.
Other names: short protein forms D263N.
Identifiers: ClinVar variation 2430355 (VCV002430355.2), dbSNP rs1248970090, ClinGen allele CA386870882.
Genomic context (GRCh38, chr12:116,019,811, plus strand): 5'-TTCTTCAGGCAAAATATTTTCTCTTACCAACAATTACTTCAACTGCCACAGGGAAATCAT[C>T]ATCATATCCCAACTCGTCTTCCTCTTTCGATTCTTCTTTCTTTTTTAGCACCATCGGGTA-3'
Protein context (NP_056150.1, residues 253-273): SKEEDELGYD[Asp263Asn]DFPVAVEVIV